The following is an entry in ClinVar:

ClinVar aggregate classification (germline): Uncertain significance (1 of 4 stars; one submission).

Submission:

GeneDx
Classification: Uncertain significance. Last evaluated: 2025-05-02. Review status: criteria provided, single submitter. Criteria: GeneDx Variant Classification Process June 2021. Collection method: clinical testing. Allele origin: germline. Affected: yes.
Comment: Not observed at significant frequency in large population cohorts (gnomAD); Alters the last nucleotide of the exon and is predicted to damage the splice donor site but the effect on protein function is unclear; In silico analysis supports that this missense variant has a deleterious effect on protein structure/function; Has not been previously published as pathogenic or benign to our knowledge

NM_020987.5(ANK3):c.12595G>A (p.Gly4199Ser)

Gene: ANK3 (ankyrin 3; minus strand). Cytogenetic location: 10q21.2.
Variant type: single nucleotide variant.
Coding change: c.12595G>A on transcript NM_020987.5 (MANE Select); coding-DNA position 12595, G replaced by A.
Protein change: p.Gly4199Ser; replaces glycine 4199 with serine.
Molecular consequence: missense variant.
Genome position (GRCh38, 1-based): chr10:60,063,111, C>T on the plus strand (G>A on the coding strand, the complement: ANK3 is on the minus strand). VCF-style: chr10-60063111-C-T. GRCh37 (hg19) VCF-style: chr10-61822869-C-T.
Other names: c.2158G>A, p.Gly720Ser (NM_001149.4); c.4738G>A, p.Gly1580Ser (NM_001204403.2); c.4759G>A, p.Gly1587Ser (NM_001204404.2); c.4756G>A, p.Gly1586Ser (NM_001320874.2); short protein forms G1580S, G1586S, G1587S, G4199S, G720S.
Identifiers: ClinVar variation 4528009 (VCV004528009.1).